The following is an entry in ClinVar:

ClinVar aggregate classification (germline): Conflicting classifications of pathogenicity. Review status: criteria provided, conflicting classifications (1 of 4 stars). 4 submissions from 4 submitters: Uncertain significance (3); Likely benign (1). Last evaluated 2024-06-24.

Conditions:
Hereditary breast ovarian cancer syndrome. Also called: Hereditary breast and ovarian cancer syndrome (HBOC); Hereditary breast and ovarian cancer; BRCA1- and BRCA2-Associated Hereditary Breast and Ovarian Cancer; Breast and ovarian cancer; Hereditary breast and ovarian cancer syndrome; Hereditary breast and/or ovarian cancer syndrome. Identifiers: Orphanet 145, MedGen C0677776, MeSH D061325, MONDO:0003582. Disease mechanism: loss of function.
Breast-ovarian cancer, familial, susceptibility to, 1 (BROVCA1). Also called: OVARIAN CANCER, SUSCEPTIBILITY TO; BRCA1 Hereditary Breast and Ovarian Cancer. Identifiers: Orphanet 145, MedGen C2676676, MONDO:0011450, OMIM 604370. Disease mechanism: loss of function.
Hereditary cancer-predisposing syndrome. Also called: Hereditary neoplastic syndrome; Tumor predisposition; Hereditary Cancer Syndrome; Neoplastic Syndromes, Hereditary. Identifiers: Orphanet 140162, MedGen C0027672, MeSH D009386, MONDO:0015356.

gnomAD v4.1: 1 of 1,614,158 alleles (0.000062%); highest among the groups gnomAD compares: Non-Finnish European, 0.000085%; no homozygotes.

Submissions (5):

Ambry Genetics
Classification: Uncertain significance for Hereditary cancer-predisposing syndrome. Last evaluated: 2024-06-24. Review status: criteria provided, single submitter. Criteria: Ambry Variant Classification Scheme 2023. Collection method: clinical testing. Allele origin: germline.
Comment: The p.G1803V variant (also known as c.5408G>T), located in coding exon 21 of the BRCA1 gene, results from a G to T substitution at nucleotide position 5408. The glycine at codon 1803 is replaced by valine, an amino acid with dissimilar properties. This alteration has been reported in at least one individual who underwent genetic testing for hereditary breast and ovarian cancer (HBOC) syndrome (Cock-Rada AM et al. Fam Cancer, 2018 01;17:23-30). One study found that this nucleotide substitution is functional in a high-throughput, genome editing, haploid cell survival assay (Findlay GM et al. Nature, 2018 10;562:217-222). This variant was also functional in a homology directed repair and had intermediate function in a cisplatin resistance protein functional assay (Adamovich AI et al. Am J Hum Genet, 2022 Apr;109:618-630). However, a different variant at the same codon, p.G1803A (c.5408G>A) has been found to have conflicting functional evidence between this study and others (Lee MS et al. Cancer Res. 2010 Jun;70:4880-90; Wappenschmidt B et al. PLoS ONE. 2012 Dec;7:e50800; Ahlborn LB et al. Breast Cancer Res. Treat. 2015 Apr;150:289-98; Findlay GM et al. Nature, 2018 10;562:217-222; Fernandes VC et al. J. Biol. Chem. 2019 04;294:5980-5992). This amino acid position is not well conserved in available vertebrate species. In addition, the in silico prediction for this alteration is inconclusive. Based on the available evidence, the clinical significance of this variant remains unclear.

Lupski Lab, Baylor-Hopkins CMG, Baylor College of Medicine
Classification: Likely benign for Breast-ovarian cancer, familial, susceptibility to, 1. Last evaluated: 2024-04-12. Review status: criteria provided, single submitter. Criteria: Dawood et al. (medRxiv. 2024). Collection method: curation. Allele origin: germline.
Comment: Each variant was annotated with functional scores from MAVE data which was translated into functional evidence codes. All other evidence codes and combining criteria were adhered to as closely as possible based on the ClinGen VCEP (Variant Curation Expert Panel) gene-specific recommendations. See Supplemental Figure 34 of final paper (Supp Fig. 28 in preprint: doi:10.1101/2024.04.11.24305690) for a table to see which lines of evidence we did not have data for. The ClinGen VCEPs are highly regarded as the gold-standard for gene-specific variant curation and are developed after extensive evaluation of the evidence by clinical and scientific experts for the particular gene to classify genomic variants on a spectrum from pathogenic to benign using the 2015 ACMG/AMP Variant Interpretation Guidelines as a backbone (PMID: 25741868). Reclassification of these VUS variants from gnomAD or All of Us focused only on variants originally prescribed as VUS in ClinVar. To ensure reproducibility, transparency, and increased throughput, all the procedures for annotating variants and assigning evidence codes were codified using Python. All code has been made freely available and is linked in the Code Availability section and all reclassified variants with evidence codes used can be found in Tables S18-19 (preprint: doi:10.1101/2024.04.11.24305690). For the MAVE data, the clinical curation and clinical strength assignment as per the ClinGen recommendations in Brnich et al. (2020) (PMID: 31892348) for or against pathogenicity or benignity of each of these MAVE datasets utilized in this study were previously published in Fayer et al. (2021) (PMID: 34793697).In brief, for BRCA1 variants, if a variant was categorized as FUNC (functional), it was assigned BS3 evidence and no PS3 evidence, whereas if it was categorized as LOF (loss of function), the variant was assigned PS3 evidence and no BS3 evidence. Variants categorized as INT (intermediate) were left unannotated. For the BRCA1 combining criteria, greater than or equal to 1 criteria of strong benign evidence was enough to reclassify the VUS as Likely Benign. This variant GRCh38:17:43047702:C>A was assigned evidence codes ['BS3', 'BP4'] and an overall classification of Likely benign

Labcorp Genetics (formerly Invitae), Labcorp
Classification: Uncertain significance for Hereditary breast ovarian cancer syndrome. Last evaluated: 2023-11-27. Review status: criteria provided, single submitter. Criteria: Invitae Variant Classification Sherloc (09022015). Collection method: clinical testing. Allele origin: germline.
Comment: This sequence change replaces glycine, which is neutral and non-polar, with valine, which is neutral and non-polar, at codon 1803 of the BRCA1 protein (p.Gly1803Val). This variant is not present in population databases (gnomAD no frequency). This missense change has been observed in individual(s) with breast and/or ovarian cancer (PMID: 28528518). ClinVar contains an entry for this variant (Variation ID: 628196). An algorithm developed to predict the effect of missense changes on protein structure and function (PolyPhen-2) suggests that this variant is likely to be disruptive. Experimental studies have shown that this missense change does not substantially affect BRCA1 function (PMID: 30209399). In summary, the available evidence is currently insufficient to determine the role of this variant in disease. Therefore, it has been classified as a Variant of Uncertain Significance.

Color Diagnostics, LLC DBA Color Health
Classification: Uncertain significance for Hereditary cancer-predisposing syndrome. Last evaluated: 2019-04-23. Review status: criteria provided, single submitter. Criteria: ACMG Guidelines, 2015. Collection method: clinical testing. Allele origin: germline.

Brotman Baty Institute, University of Washington
No classification provided (evidence only). Condition: Breast-ovarian cancer, familial 1. Review status: no classification provided. Collection method: in vitro. Allele origin: not applicable. Functional consequence: functionally_normal. Not counted in ClinVar's aggregate classification.
ClinVar note: "not provided" was previously submitted as the classification for the variant. However, the classification appeared to be based only on an observation of functional data so it was converted to no classification on 2025-07-30.

Literature cited by the submitters: PubMed 28528518 (cited by Ambry Genetics and Labcorp Genetics (formerly Invitae), Labcorp); PubMed 30209399 (cited by Ambry Genetics and Labcorp Genetics (formerly Invitae), Labcorp); PubMed 35196514 (cited by Ambry Genetics); PubMed 39142283 (cited by Lupski Lab, Baylor-Hopkins CMG, Baylor College of Medicine); PubMed 34793697 (cited by Lupski Lab, Baylor-Hopkins CMG, Baylor College of Medicine); DOI 10.1101/2024.04.11.24305690 (cited by Lupski Lab, Baylor-Hopkins CMG, Baylor College of Medicine).

NM_007294.4(BRCA1):c.5408G>T (p.Gly1803Val)

Gene: BRCA1 (BRCA1 DNA repair associated; minus strand). Cytogenetic location: 17q21.31.
Variant type: single nucleotide variant.
Coding change: c.5408G>T on transcript NM_007294.4 (MANE Select); coding-DNA position 5408, G replaced by T.
Protein change: p.Gly1803Val; replaces glycine 1803 with valine.
Molecular consequence: missense variant. On other transcripts: synonymous variant (17).
Genome position (GRCh38, 1-based): chr17:43,047,702, C>A on the plus strand (G>T on the coding strand, the complement: BRCA1 is on the minus strand). VCF-style: chr17-43047702-C-A. GRCh37 (hg19) VCF-style: chr17-41199719-C-A.
Other names: c.5195G>T, p.Gly1732Val (NM_001407571.1, NM_001407894.1, NM_001407895.1 and 12 more transcripts); c.5474G>T, p.Gly1825Val (NM_001407581.1, NM_001407582.1); c.5471G>T, p.Gly1824Val (NM_001407583.1, NM_001407585.1, NM_001407587.1 and 1 more transcripts); c.5468G>T, p.Gly1823Val (NM_001407590.1, NM_001407591.1); c.5408G>T, p.Gly1803Val (NM_001407593.1, NM_001407594.1, NM_001407596.1 and 5 more transcripts); c.5405G>T, p.Gly1802Val (NM_001407610.1, NM_001407611.1, NM_001407612.1 and 14 more transcripts); c.5402G>T, p.Gly1801Val (NM_001407627.1, NM_001407628.1, NM_001407629.1 and 13 more transcripts); c.5399G>T, p.Gly1800Val (NM_001407644.1, NM_001407645.1); and 83 more; short protein forms G1803V, G1756V, G1824V, G699V, G1507V, G1634V, G1691V, G1754V.
Identifiers: ClinVar variation 628196 (VCV000628196.21), dbSNP rs80357149, ClinGen allele CA10590653.